The following is an entry in ClinVar:

NM_000043.6(FAS):c.734T>G (p.Val245Gly)

Gene: FAS (Fas cell surface death receptor; plus strand). Cytogenetic location: 10q23.31.
Variant type: single nucleotide variant.
Coding change: c.734T>G on transcript NM_000043.6 (MANE Select); coding-DNA position 734, T replaced by G.
Protein change: p.Val245Gly; replaces valine 245 with glycine.
Molecular consequence: missense variant. On other transcripts: non-coding transcript variant (7), 3 prime UTR variant (2).
Genome position (GRCh38, 1-based): chr10:89,014,176, T>G. VCF-style: chr10-89014176-T-G. GRCh37 (hg19) VCF-style: chr10-90773933-T-G.
Other names: c.*57T>G (NM_001320619.2); c.671T>G, p.Val224Gly (NM_152871.4); c.*46T>G (NM_152872.4); short protein forms V245G, V224G.
Identifiers: ClinVar variation 1368062 (VCV001368062.8), dbSNP rs200778245, ClinGen allele CA211334978.

ClinVar aggregate classification (germline): Uncertain significance (1 of 4 stars; one submission).

Conditions:
Autoimmune lymphoproliferative syndrome type 1. Also called: AUTOIMMUNE LYMPHOPROLIFERATIVE SYNDROME, TYPE I, AUTOSOMAL DOMINANT. Identifiers: Orphanet 3261, MedGen C2717884, MONDO:0011158, OMIM 601859.

Submission:

Labcorp Genetics (formerly Invitae), Labcorp
Classification: Uncertain significance for Autoimmune lymphoproliferative syndrome. Last evaluated: 2023-07-29. Review status: criteria provided, single submitter. Criteria: Invitae Variant Classification Sherloc (09022015). Collection method: clinical testing. Allele origin: germline.
Comment: Advanced modeling of protein sequence and biophysical properties (such as structural, functional, and spatial information, amino acid conservation, physicochemical variation, residue mobility, and thermodynamic stability) performed at Invitae indicates that this missense variant is expected to disrupt FAS protein function. In summary, the available evidence is currently insufficient to determine the role of this variant in disease. Therefore, it has been classified as a Variant of Uncertain Significance. This variant has not been reported in the literature in individuals affected with FAS-related conditions. This variant is not present in population databases (gnomAD no frequency). This sequence change replaces valine, which is neutral and non-polar, with glycine, which is neutral and non-polar, at codon 245 of the FAS protein (p.Val245Gly). ClinVar contains an entry for this variant (Variation ID: 1368062).